The following is an entry in ClinVar:

ClinVar aggregate classification (germline): Uncertain significance. Review status: criteria provided, multiple submitters, no conflicts (2 of 4 stars). 6 submissions from 6 submitters: Uncertain significance (5). 1 of the submissions does not count toward it. Last evaluated 2025-09-11.

Conditions:
Multiple endocrine neoplasia, type 1 (MEN1). Also called: MEN I; WERMER SYNDROME; Endocrine adenomatosis multiple; MEN 1; MEA I. Identifiers: Orphanet 652, MedGen C0025267, MeSH D018761, MONDO:0007540, OMIM 131100.
Hereditary cancer-predisposing syndrome. Also called: Tumor predisposition; Hereditary neoplastic syndrome; Neoplastic Syndromes, Hereditary; Hereditary Cancer Syndrome. Identifiers: Orphanet 140162, MedGen C0027672, MeSH D009386, MONDO:0015356.
MEN1-related disorder. Also called: MEN1-related condition.
Diffuse midline glioma, H3 K27-altered. Identifiers: MedGen C5669877, MONDO:1060171.

Submissions (6):

Color Diagnostics, LLC DBA Color Health
Classification: Uncertain significance for Multiple endocrine neoplasia, type 1. Last evaluated: 2025-09-11. Review status: criteria provided, single submitter. Criteria: ACMG Guidelines, 2015. Collection method: clinical testing. Allele origin: germline.
Comment: This missense variant replaces threonine with isoleucine at codon 300 of the MEN1 protein. Computational prediction is inconclusive regarding the impact of this variant on protein structure and function. To our knowledge, functional studies have not been reported for this variant. This variant has not been reported in individuals affected with MEN1-related disorders in the literature. This variant has not been identified in the general population by the Genome Aggregation Database (gnomAD). The available evidence is insufficient to determine the role of this variant in disease conclusively. Therefore, this variant is classified as a Variant of Uncertain Significance.

Labcorp Genetics (formerly Invitae), Labcorp
Classification: Uncertain significance for Multiple endocrine neoplasia, type 1. Last evaluated: 2025-09-08. Review status: criteria provided, single submitter. Criteria: Invitae Variant Classification Sherloc (09022015). Collection method: clinical testing. Allele origin: germline.
Comment: This sequence change replaces threonine, which is neutral and polar, with isoleucine, which is neutral and non-polar, at codon 300 of the MEN1 protein (p.Thr300Ile). This variant is not present in population databases (gnomAD no frequency). This variant has not been reported in the literature in individuals affected with MEN1-related conditions. ClinVar contains an entry for this variant (Variation ID: 941478). Invitae Evidence Modeling of protein sequence and biophysical properties (such as structural, functional, and spatial information, amino acid conservation, physicochemical variation, residue mobility, and thermodynamic stability) indicates that this missense variant is not expected to disrupt MEN1 protein function with a negative predictive value of 80%. In summary, the available evidence is currently insufficient to determine the role of this variant in disease. Therefore, it has been classified as a Variant of Uncertain Significance.

Ambry Genetics
Classification: Uncertain significance for Hereditary cancer-predisposing syndrome. Last evaluated: 2024-03-01. Review status: criteria provided, single submitter. Criteria: Ambry Variant Classification Scheme 2023. Collection method: clinical testing. Allele origin: germline.
Comment: The p.T300I variant (also known as c.899C>T), located in coding exon 5 of the MEN1 gene, results from a C to T substitution at nucleotide position 899. The threonine at codon 300 is replaced by isoleucine, an amino acid with similar properties. This amino acid position is well conserved in available vertebrate species. In addition, the in silico prediction for this alteration is inconclusive. Since supporting evidence is limited at this time, the clinical significance of this alteration remains unclear.

Baylor Genetics
Classification: Uncertain significance for Multiple Endocrine Neoplasia Type 1. Last evaluated: 2024-02-14. Review status: criteria provided, single submitter. Criteria: ACMG Guidelines, 2015. Collection method: clinical testing. Allele origin: unknown.

Laboratory of Medical Genetics Unit, Bambino Gesù Children's Hospital
Classification: Uncertain significance for Diffuse midline glioma, H3 K27-altered. Last evaluated: 2021-03-04. Review status: criteria provided, single submitter. Criteria: ACMG Guidelines, 2015. Collection method: research. Allele origin: germline. Affected: yes. Observed: 1 heterozygote.

PreventionGenetics, part of Exact Sciences
Classification: Uncertain significance for MEN1-related condition. Last evaluated: 2024-06-30. Review status: no assertion criteria provided. Collection method: clinical testing. Allele origin: germline. Not counted in ClinVar's aggregate classification.
Comment: The MEN1 c.914C>T variant is predicted to result in the amino acid substitution p.Thr305Ile. To our knowledge, this variant has not been reported in the literature or in a large population database, indicating this variant is rare. At this time, the clinical significance of this variant is uncertain due to the absence of conclusive functional and genetic evidence.

NM_001370259.2(MEN1):c.899C>T (p.Thr300Ile)

Gene: MEN1 (menin 1; minus strand). Cytogenetic location: 11q13.1.
Variant type: single nucleotide variant.
Coding change: c.899C>T on transcript NM_001370259.2 (MANE Select); coding-DNA position 899, C replaced by T.
Protein change: p.Thr300Ile; replaces threonine 300 with isoleucine.
Molecular consequence: missense variant.
Genome position (GRCh38, 1-based): chr11:64,807,024, G>A on the plus strand (C>T on the coding strand, the complement: MEN1 is on the minus strand). VCF-style: chr11-64807024-G-A. GRCh37 (hg19) VCF-style: chr11-64574496-G-A.
Other names: c.914C>T (NM_000244.3); c.914C>T, p.Thr305Ile (NM_000244.4, NM_130800.3, NM_130801.3 and 3 more transcripts); c.899C>T, p.Thr300Ile (NM_001370251.2, NM_001370260.2, NM_001370261.2 and 1 more transcripts); c.794C>T, p.Thr265Ile (NM_001370262.2, NM_001370263.2); short protein forms T265I, T305I, T300I.
Identifiers: ClinVar variation 941478 (VCV000941478.12), dbSNP rs1941776482, ClinGen allele CA381183504.